The following is an entry in ClinVar:

NM_001003722.2(GLE1):c.433-18_433-10del

Gene: GLE1 (GLE1 RNA export mediator; plus strand). Cytogenetic location: 9q34.11.
Variant type: Deletion.
Coding change: c.433-18_433-10del on transcript NM_001003722.2 (MANE Select); 18 bases into the intron before coding-DNA position 433 through 10 bases into the intron before coding-DNA position 433, 9 bases deleted (AAAAAAAAA; older notation c.433-18_433-10delAAAAAAAAA).
Molecular consequence: intron variant.
Genome position (GRCh38, 1-based): chr9:128,522,650-128,522,658, AAAAAAAAA deleted; deleting any 9 consecutive bases within chr9:128,522,636-128,522,658 gives the same sequence; the c. name uses the placement nearest the transcript's 3' end. VCF-style (leftmost placement, unchanged base first): chr9-128522635-TAAAAAAAAA-T. GRCh37 (hg19) VCF-style: chr9-131284914-TAAAAAAAAA-T.
Other names: c.433-18_433-10del (NM_001499.2, NM_001411013.1).
Identifiers: ClinVar variation 3049423 (VCV003049423.2), dbSNP rs60154464, ClinGen allele CA590633314.

ClinVar aggregate classification (germline): Likely benign (0 of 4 stars; one submission).

Conditions:
GLE1-related disorder. Also called: GLE1-related disorders; GLE1-related condition.

Submission:

PreventionGenetics, part of Exact Sciences
Classification: Likely benign for GLE1-related condition. Last evaluated: 2019-07-11. Review status: no assertion criteria provided. Collection method: clinical testing. Allele origin: germline.
Comment: This variant is classified as likely benign based on ACMG/AMP sequence variant interpretation guidelines (Richards et al. 2015 PMID: 25741868, with internal and published modifications).